The following is an entry in ClinVar:

ClinVar aggregate classification (germline): Uncertain significance (1 of 4 stars; one submission).

Conditions:
Inborn genetic diseases. Identifiers: MedGen C0950123, MeSH D030342.

Submission:

Ambry Genetics
Classification: Uncertain significance for Inborn genetic diseases. Last evaluated: 2025-11-25. Review status: criteria provided, single submitter. Criteria: Ambry Variant Classification Scheme 2023. Collection method: clinical testing. Allele origin: germline.
Comment: The c.-1G>T variant is located in the 5' untranslated region (5&rsquo; UTR) of the RUNX1 gene. This variant results from a G to T substitution 1 bases upstream from the first translated codon. This nucleotide position is not well conserved in available vertebrate species. Based on the available evidence, the clinical significance of this variant remains unclear.

NM_001754.5(RUNX1):c.-1G>T

Gene: RUNX1 (RUNX family transcription factor 1; minus strand). Cytogenetic location: 21q22.12.
Variant type: single nucleotide variant.
Coding change: c.-1G>T on transcript NM_001754.5 (MANE Select); 1 bases upstream of the start codon, G replaced by T.
Molecular consequence: 5 prime UTR variant.
Genome position (GRCh38, 1-based): chr21:35,048,900, C>A on the plus strand (G>T on the coding strand, the complement: RUNX1 is on the minus strand). VCF-style: chr21-35048900-C-A. GRCh37 (hg19) VCF-style: chr21-36421197-C-A.
Identifiers: ClinVar variation 4629711 (VCV004629711.1).